The following is an entry in ClinVar:

ClinVar aggregate classification (germline): Likely benign. Review status: criteria provided, multiple submitters, no conflicts (2 of 4 stars). 2 submissions from 2 submitters: Likely benign (2). Last evaluated 2026-08-12.

Conditions:
ADGRV1-related disorder. Also called: ADGRV1-related disorders; ADGRV1-related condition.

Allele frequency attached by ClinVar (database versions not stated): gnomAD 0.00001; gnomAD exomes 0.00002; TOPMed 0.00002; ExAC 0.00004.
gnomAD v4.1: 22 of 1,598,866 alleles (0.0014%); highest among the groups gnomAD compares: Non-Finnish European, 0.0018%; no homozygotes.

Submissions (2):

PreventionGenetics, part of Exact Sciences
Classification: Likely benign for ADGRV1-related condition. Last evaluated: 2026-08-12. Review status: criteria provided, single submitter. Criteria: ACMG Guidelines, 2015. Collection method: clinical testing. Allele origin: germline.
Comment: This variant is classified as likely benign based on ACMG/AMP sequence variant interpretation guidelines (Richards et al. 2015 PMID: 25741868, with internal and published modifications).

Labcorp Genetics (formerly Invitae), Labcorp
Classification: Likely benign. Last evaluated: 2025-09-01. Review status: criteria provided, single submitter. Criteria: Invitae Variant Classification Sherloc (09022015). Collection method: clinical testing. Allele origin: germline.

NM_032119.4(ADGRV1):c.6732A>G (p.Val2244=)

Gene: ADGRV1 (adhesion G protein-coupled receptor V1; plus strand). Cytogenetic location: 5q14.3.
Variant type: single nucleotide variant.
Coding change: c.6732A>G on transcript NM_032119.4 (MANE Select); coding-DNA position 6732, A replaced by G.
Protein change: p.Val2244=; no amino-acid change (valine 2244 retained).
Molecular consequence: synonymous variant. On other transcripts: non-coding transcript variant (1).
Genome position (GRCh38, 1-based): chr5:90,690,822, A>G. VCF-style: chr5-90690822-A-G. GRCh37 (hg19) VCF-style: chr5-89986639-A-G.
Other names: c.6732A>G (NM_032119.3).
Identifiers: ClinVar variation 1908188 (VCV001908188.6), dbSNP rs765712642, ClinGen allele CA3339864.